The following is an entry in ClinVar:

NM_000334.4(SCN4A):c.92G>T (p.Arg31Leu)

Gene: SCN4A (sodium voltage-gated channel alpha subunit 4; minus strand). Cytogenetic location: 17q23.3.
Variant type: single nucleotide variant.
Coding change: c.92G>T on transcript NM_000334.4 (MANE Select); coding-DNA position 92, G replaced by T.
Protein change: p.Arg31Leu; replaces arginine 31 with leucine.
Molecular consequence: missense variant.
Genome position (GRCh38, 1-based): chr17:63,972,750, C>A on the plus strand (G>T on the coding strand, the complement: SCN4A is on the minus strand). VCF-style: chr17-63972750-C-A. GRCh37 (hg19) VCF-style: chr17-62050110-C-A.
Other names: p.Arg31Leu; short protein forms R31L.
Identifiers: ClinVar variation 255864 (VCV000255864.22), dbSNP rs112142736, ClinGen allele CA8710289.
Genomic context (GRCh38, chr17:63,972,750, plus strand): 5'-TCGGGCTCCTCAATCTCCATCTGCTTATTCCGCTGCAGCCGGGCCTCCTCCTCCACCGCC[C>A]GCTGTTCTATGGCTGCCAGTGACTCCCGGGTGAAGGGGCGCAAGCACTCAGGGCCCAGAG-3'
Protein context (NP_000325.4, residues 21-41): TRESLAAIEQ[Arg31Leu]AVEEEARLQR

ClinVar aggregate classification (germline): Benign. Review status: criteria provided, multiple submitters, no conflicts (2 of 4 stars). 11 submissions from 7 submitters: Benign (11). Last evaluated 2026-02-01.

Conditions:
Hypokalemic periodic paralysis, type 2 (HOKPP2). Identifiers: Orphanet 681, MedGen C2750061, MONDO:0013234, OMIM 613345.
Potassium-aggravated myotonia. Also called: SODIUM CHANNEL MUSCLE DISEASE; MYOTONIA CONGENITA, ACETAZOLAMIDE-RESPONSIVE; MYOTONIA CONGENITA, ATYPICAL; Myotonia congenita, atypical, acetazolamide-responsive. Identifiers: Orphanet 612, Orphanet 99734, Orphanet 99735, Orphanet 99736, MedGen C2931826, MONDO:0018959, OMIM 608390.
Hyperkalemic periodic paralysis. Also called: Familial hyperkalemic periodic paralysis; Gamstorp disease. Identifiers: Orphanet 682, MedGen C0238357, MONDO:0008224, OMIM 170500, HP:0007215.
Congenital myasthenic syndrome 16. Identifiers: Orphanet 590, MedGen C3280112, MONDO:0013620, OMIM 614198.
Paramyotonia congenita of Von Eulenburg. Also called: Paramyotonia Congenita; Eulenburg disease; Myotonia congenita intermittens; Von Eulenburg paramyotonia congenita; PARALYSIS PERIODICA PARAMYOTONICA. Identifiers: Orphanet 684, MedGen C0221055, MONDO:0008195, OMIM 168300. Disease mechanism: loss of function.

Allele frequency attached by ClinVar (database versions not stated): gnomAD 0.00474 and 0.00506; TOPMed 0.00535; 1000 Genomes Project 30x 0.00640; ESP Exome Variant Server 0.00524; 1000 Genomes Project 0.00559.

Submissions (11):

Labcorp Genetics (formerly Invitae), Labcorp
Classification: Benign for Hyperkalemic periodic paralysis. Last evaluated: 2026-02-01. Review status: criteria provided, single submitter. Criteria: Invitae Variant Classification Sherloc (09022015). Collection method: clinical testing. Allele origin: germline.

Mayo Clinic Laboratories, Mayo Clinic
Classification: Benign. Last evaluated: 2024-01-29. Review status: criteria provided, single submitter. Criteria: ACMG Guidelines, 2015. Collection method: clinical testing. Allele origin: germline. Observed: 3 variant alleles.
Comment: BS1, BS2

Athena Diagnostics
Classification: Benign. Last evaluated: 2023-11-08. Review status: criteria provided, single submitter. Criteria: Athena Diagnostics Criteria. Collection method: clinical testing. Allele origin: unknown.

Illumina Laboratory Services, Illumina
Classification: Benign for Congenital myasthenic syndrome 16. Last evaluated: 2018-01-13. Review status: criteria provided, single submitter. Criteria: ICSL Variant Classification Criteria 13 December 2019. Collection method: clinical testing. Allele origin: germline.
Comment: This variant was observed in the ICSL laboratory as part of a predisposition screen in an ostensibly healthy population. It had not been previously curated by ICSL or reported in the Human Gene Mutation Database (HGMD: prior to June 1st, 2018), and was therefore a candidate for classification through an automated scoring system. Utilizing variant allele frequency, disease prevalence and penetrance estimates, and inheritance mode, an automated score was calculated to assess if this variant is too frequent to cause the disease. Based on the score and internal cut-off values, a variant classified as benign is not then subjected to further curation. The score for this variant resulted in a classification of benign for this disease.

Illumina Laboratory Services, Illumina
Classification: Benign for Potassium-aggravated myotonia. Last evaluated: 2018-01-13. Review status: criteria provided, single submitter. Criteria: ICSL Variant Classification Criteria 13 December 2019. Collection method: clinical testing. Allele origin: germline.
Comment: the same text as in the submission from Illumina Laboratory Services, Illumina above.

Illumina Laboratory Services, Illumina
Classification: Benign for Paramyotonia congenita of Von Eulenburg. Last evaluated: 2018-01-13. Review status: criteria provided, single submitter. Criteria: ICSL Variant Classification Criteria 13 December 2019. Collection method: clinical testing. Allele origin: germline.
Comment: the same text as in the submission from Illumina Laboratory Services, Illumina above.

Illumina Laboratory Services, Illumina
Classification: Benign for Hypokalemic periodic paralysis, type 2. Last evaluated: 2018-01-13. Review status: criteria provided, single submitter. Criteria: ICSL Variant Classification Criteria 13 December 2019. Collection method: clinical testing. Allele origin: germline.
Comment: the same text as in the submission from Illumina Laboratory Services, Illumina above.

Illumina Laboratory Services, Illumina
Classification: Benign for Hyperkalemic periodic paralysis. Last evaluated: 2018-01-13. Review status: criteria provided, single submitter. Criteria: ICSL Variant Classification Criteria 13 December 2019. Collection method: clinical testing. Allele origin: germline.
Comment: the same text as in the submission from Illumina Laboratory Services, Illumina above.

GeneDx
Classification: Benign. Last evaluated: 2016-12-07. Review status: criteria provided, single submitter. Criteria: GeneDx Variant Classification (06012015). Collection method: clinical testing. Allele origin: germline. Affected: yes.
Comment: This variant is considered likely benign or benign based on one or more of the following criteria: it is a conservative change, it occurs at a poorly conserved position in the protein, it is predicted to be benign by multiple in silico algorithms, and/or has population frequency not consistent with disease.

Breakthrough Genomics
Classification: Benign. Review status: criteria provided, single submitter. Criteria: ACMG Guidelines, 2015. Collection method: not provided. Allele origin: germline. Inheritance: Autosomal recessive inheritance. Affected: yes.

PreventionGenetics, part of Exact Sciences
Classification: Benign. Review status: criteria provided, single submitter. Criteria: ACMG Guidelines, 2015. Collection method: clinical testing. Allele origin: germline.